The following is an entry in ClinVar:

ClinVar aggregate classification (germline): Uncertain significance (1 of 4 stars; one submission).

Conditions:
Hereditary cancer-predisposing syndrome. Also called: Tumor predisposition; Neoplastic Syndromes, Hereditary; Hereditary neoplastic syndrome; Hereditary Cancer Syndrome. Identifiers: Orphanet 140162, MedGen C0027672, MeSH D009386, MONDO:0015356.

gnomAD v4.1: 1 of 1,613,778 alleles (0.000062%); highest among the groups gnomAD compares: Non-Finnish European, 0.000085%; no homozygotes.

Submission:

Ambry Genetics
Classification: Uncertain significance for Hereditary cancer-predisposing syndrome. Last evaluated: 2025-07-02. Review status: criteria provided, single submitter. Criteria: Ambry Variant Classification Scheme 2023. Collection method: clinical testing. Allele origin: germline.
Comment: The c.2352C>T variant (also known as p.N784N), located in coding exon 9 of the MET gene, results from a C to T substitution at nucleotide position 2352. This nucleotide substitution does not change the asparagine at codon 784. This nucleotide position is well conserved in available vertebrate species. In silico splice site analysis for this alteration is inconclusive. Based on the available evidence, the clinical significance of this variant remains unclear.

NM_000245.4(MET):c.2298C>T (p.Asn766=)

Gene: MET (MET proto-oncogene, receptor tyrosine kinase; plus strand). Cytogenetic location: 7q31.2.
Variant type: single nucleotide variant.
Coding change: c.2298C>T on transcript NM_000245.4 (MANE Select); coding-DNA position 2298, C replaced by T.
Protein change: p.Asn766=; no amino-acid change (asparagine 766 retained).
Molecular consequence: synonymous variant.
Genome position (GRCh38, 1-based): chr7:116,759,424, C>T. VCF-style: chr7-116759424-C-T. GRCh37 (hg19) VCF-style: chr7-116399478-C-T.
Other names: c.2352C>T, p.Asn784= (NM_001127500.3); c.2298C>T, p.Asn766= (NM_001324401.3); c.1008C>T, p.Asn336= (NM_001324402.2).
Identifiers: ClinVar variation 4106733 (VCV004106733.1).